The following is an entry in ClinVar:

NM_000535.7(PMS2):c.903G>C (p.Lys301Asn)

Gene: PMS2 (PMS1 homolog 2, mismatch repair system component; minus strand). Cytogenetic location: 7p22.1.
Variant type: single nucleotide variant.
Coding change: c.903G>C on transcript NM_000535.7 (MANE Select); coding-DNA position 903, G replaced by C.
Protein change: p.Lys301Asn; replaces lysine 301 with asparagine.
Molecular consequence: missense variant. On other transcripts: 5 prime UTR variant (2), non-coding transcript variant (1), intron variant (4).
Genome position (GRCh38, 1-based): chr7:5,995,534, C>G on the plus strand (G>C on the coding strand, the complement: PMS2 is on the minus strand). VCF-style: chr7-5995534-C-G. GRCh37 (hg19) VCF-style: chr7-6035165-C-G.
Other names: c.498G>C, p.Lys166Asn (NM_001018040.1, NM_001322003.2, NM_001322004.2 and 20 more transcripts); c.903G>C, p.Lys301Asn (NM_001322006.2, NM_001322014.2, NM_001406870.1 and 2 more transcripts); c.585G>C, p.Lys195Asn (NM_001322007.2, NM_001322008.2, NM_001406876.1 and 4 more transcripts); c.-31G>C (NM_001322011.2, NM_001322012.2); c.330G>C, p.Lys110Asn (NM_001322013.2, NM_001406909.1); c.594G>C, p.Lys198Asn (NM_001322015.2, NM_001406875.1, NM_001406877.1 and 6 more transcripts); c.1089G>C, p.Lys363Asn (NM_001406866.1); c.927G>C, p.Lys309Asn (NM_001406868.1); and 8 more; short protein forms K110N, K130N, K166N, K189N, K195N, K198N, K245N, K265N.
Identifiers: ClinVar variation 2673909 (VCV002673909.3), dbSNP rs267608153, ClinGen allele CA366743397.

ClinVar aggregate classification (germline): Conflicting classifications of pathogenicity. Review status: criteria provided, conflicting classifications (1 of 4 stars). 3 submissions from 3 submitters: Likely pathogenic (2); Uncertain significance (1). Last evaluated 2026-01-06.

Conditions:
Hereditary nonpolyposis colorectal neoplasms. Identifiers: MedGen C0009405, MeSH D003123.
Hereditary cancer-predisposing syndrome. Also called: Tumor predisposition; Hereditary neoplastic syndrome; Neoplastic Syndromes, Hereditary; Hereditary Cancer Syndrome. Identifiers: Orphanet 140162, MedGen C0027672, MeSH D009386, MONDO:0015356.
Lynch syndrome 4 (LYNCH4). Also called: Hereditary non-polyposis colorectal cancer, type 4; Colorectal cancer, hereditary nonpolyposis, type 4. Identifiers: Orphanet 144, MedGen C1838333, MONDO:0013699, OMIM 614337. Disease mechanism: loss of function.

Submissions (3):

Labcorp Genetics (formerly Invitae), Labcorp
Classification: Uncertain significance for Hereditary nonpolyposis colorectal neoplasms. Last evaluated: 2026-01-06. Review status: criteria provided, single submitter. Criteria: Invitae Variant Classification Sherloc (09022015). Collection method: clinical testing. Allele origin: germline.
Comment: This sequence change replaces lysine, which is basic and polar, with asparagine, which is neutral and polar, at codon 301 of the PMS2 protein (p.Lys301Asn). This variant also falls at the last nucleotide of exon 8, which is part of the consensus splice site for this exon. This variant is not present in population databases (gnomAD no frequency). This variant has not been reported in the literature in individuals affected with PMS2-related conditions. ClinVar contains an entry for this variant (Variation ID: 2673909). An algorithm developed to predict the effect of missense changes on protein structure and function (PolyPhen-2) suggests that this variant is likely to be disruptive. Variants that disrupt the consensus splice site are a relatively common cause of aberrant splicing (PMID: 17576681, 9536098). Algorithms developed to predict the effect of sequence changes on RNA splicing suggest that this variant may disrupt the consensus splice site. This variant disrupts the c.903G nucleotide in the PMS2 gene. Other variant(s) that disrupt this nucleotide have been determined to be pathogenic (PMID: 26247049, 26318770; internal data). This suggests that this nucleotide is clinically significant, and that variants that disrupt this position are likely to be disease-causing. In summary, the available evidence is currently insufficient to determine the role of this variant in disease. Therefore, it has been classified as a Variant of Uncertain Significance.

Ambry Genetics
Classification: Likely pathogenic for Hereditary cancer-predisposing syndrome. Last evaluated: 2025-09-04. Review status: criteria provided, single submitter. Criteria: Ambry Variant Classification Scheme 2023. Collection method: clinical testing. Allele origin: germline.
Comment: The c.903G>C variant (also known as p.K301N), located in coding exon 8 of the PMS2 gene, results from a G to C substitution at nucleotide position 903. The amino acid change results in lysine to asparagine at codon 301, an amino acid with similar properties. However, this change occurs in the last base pair of coding exon 8, which makes it likely to have some effect on normal mRNA splicing. This variant is considered to be rare based on population cohorts in the Genome Aggregation Database (gnomAD). This nucleotide position is highly conserved in available vertebrate species. In silico splice site analysis predicts that this alteration will weaken the native splice donor site. RNA studies have demonstrated that this alteration results in abnormal splicing in the set of samples tested (Ambry internal data). Based on the majority of available evidence to date, this variant is likely to be pathogenic.

Myriad Genetics, Inc.
Classification: Likely pathogenic for Lynch syndrome 4. Last evaluated: 2023-11-22. Review status: criteria provided, single submitter. Criteria: Myriad Autosomal Dominant, Autosomal Recessive and X-Linked Classification Criteria (2023). Collection method: clinical testing. Allele origin: unknown.
Comment: This variant is considered likely pathogenic. mRNA analysis has demonstrated abnormal mRNA splicing occurs [PMID: 31332305, Myriad internal data].

Literature cited by the submitters: PubMed 17576681 (cited by Labcorp Genetics (formerly Invitae), Labcorp); PubMed 9536098 (cited by Labcorp Genetics (formerly Invitae), Labcorp); PubMed 26247049 (cited by Labcorp Genetics (formerly Invitae), Labcorp); PubMed 26318770 (cited by Labcorp Genetics (formerly Invitae), Labcorp); PubMed 31332305 (cited by Myriad Genetics, Inc.).